The following is an entry in ClinVar:

ClinVar aggregate classification (germline): Uncertain significance (1 of 4 stars; one submission).

Conditions:
Hereditary pancreatitis (PCTT). Also called: Hereditary chronic pancreatitis; PRSS1-Related Hereditary Pancreatitis. Identifiers: Orphanet 676, MedGen C0238339, MONDO:0008185, OMIM 167800.

Allele frequency attached by ClinVar (database versions not stated): ExAC 0.00006; 1000 Genomes Project 30x 0.00016.

Submission:

Ambry Genetics
Classification: Uncertain significance for Hereditary pancreatitis. Last evaluated: 2025-03-01. Review status: criteria provided, single submitter. Criteria: Ambry Variant Classification Scheme 2023. Collection method: clinical testing. Allele origin: germline.
Comment: The p.A173G variant (also known as c.518C>G), located in coding exon 4 of the PRSS1 gene, results from a C to G substitution at nucleotide position 518. The alanine at codon 173 is replaced by glycine, an amino acid with similar properties. This amino acid position is conserved. In addition, this alteration is predicted to be tolerated by in silico analysis. Since supporting evidence is limited at this time, the clinical significance of this alteration remains unclear.

NM_002769.5(PRSS1):c.518C>G (p.Ala173Gly)

Genes: TRB (T cell receptor beta locus; plus strand), PRSS1 (serine protease 1; plus strand). Cytogenetic location: 7q34.
Variant type: single nucleotide variant.
Coding change: c.518C>G on transcript NM_002769.5 (MANE Select); coding-DNA position 518, C replaced by G.
Protein change: p.Ala173Gly; replaces alanine 173 with glycine.
Molecular consequence: missense variant. On other transcripts: non-coding transcript variant (5).
Genome position (GRCh38, 1-based): chr7:142,752,494, C>G. VCF-style: chr7-142752494-C-G. GRCh37 (hg19) VCF-style: chr7-142460345-C-G.
Other names: short protein forms A173G.
Identifiers: ClinVar variation 1745901 (VCV001745901.3), dbSNP rs777531305, ClinGen allele CA4530048.
Genomic context (GRCh38, chr7:142,752,494, plus strand): 5'-ACTACCCAGACGAGCTGCAGTGCCTGGATGCTCCTGTGCTGAGCCAGGCTAAGTGTGAAG[C>G]CTCCTACCCTGGAAAGATTACCAGCAACATGTTCTGTGTGGGCTTCCTTGAGGGAGGCAA-3'
Protein context (NP_002760.1, residues 163-183): APVLSQAKCE[Ala173Gly]SYPGKITSNM